The following is an entry in ClinVar:

NM_000481.4(AMT):c.13G>T (p.Val5Leu)

Genes: NICN1 (nicolin 1, tubulin polyglutamylase complex subunit; minus strand), AMT (aminomethyltransferase; minus strand). Cytogenetic location: 3p21.31.
Variant type: single nucleotide variant.
Coding change: c.13G>T on transcript NM_000481.4 (MANE Select); coding-DNA position 13, G replaced by T.
Protein change: p.Val5Leu; replaces valine 5 with leucine.
Molecular consequence: missense variant. On other transcripts: non-coding transcript variant (1), 3 prime UTR variant (1).
Genome position (GRCh38, 1-based): chr3:49,422,438, C>A on the plus strand (G>T on the coding strand, the complement: AMT is on the minus strand). VCF-style: chr3-49422438-C-A. GRCh37 (hg19) VCF-style: chr3-49459871-C-A.
Other names: c.13G>T, p.Val5Leu (NM_001164710.2, NM_001164711.2, NM_001164712.2); c.*2395G>T (NM_032316.3); short protein forms V5L.
Identifiers: ClinVar variation 374705 (VCV000374705.49), dbSNP rs764032357, ClinGen allele CA2398519.

ClinVar aggregate classification (germline): Uncertain significance. Review status: criteria provided, multiple submitters, no conflicts (2 of 4 stars). 2 submissions from 2 submitters: Uncertain significance (2). Last evaluated 2021-07-09.

Conditions:
Glycine encephalopathy. Also called: Nonketotic hyperglycinemia; Non-ketotic hyperglycinemia. Identifiers: Orphanet 407, MedGen C0751748, MONDO:0011612, HP:0008288.

Allele frequency attached by ClinVar (database versions not stated): ExAC 0.00001; gnomAD 0.00006.
gnomAD v4.1: 10 of 1,613,228 alleles (0.00062%); highest among the groups gnomAD compares: Non-Finnish European, 0.00076%; no homozygotes.

Submissions (2):

Labcorp Genetics (formerly Invitae), Labcorp
Classification: Uncertain significance for Glycine encephalopathy. Last evaluated: 2021-07-09. Review status: criteria provided, single submitter. Criteria: Invitae Variant Classification Sherloc (09022015). Collection method: clinical testing. Allele origin: germline.
Comment: In summary, the available evidence is currently insufficient to determine the role of this variant in disease. Therefore, it has been classified as a Variant of Uncertain Significance. Advanced modeling of protein sequence and biophysical properties (such as structural, functional, and spatial information, amino acid conservation, physicochemical variation, residue mobility, and thermodynamic stability) performed at Invitae indicates that this missense variant is not expected to disrupt AMT protein function. This variant has not been reported in the literature in individuals with AMT-related conditions. ClinVar contains an entry for this variant (Variation ID: 374705). This variant is present in population databases (rs764032357, ExAC 0.02%). This sequence change replaces valine with leucine at codon 5 of the AMT protein (p.Val5Leu). The valine residue is weakly conserved and there is a small physicochemical difference between valine and leucine.

CeGaT Center for Human Genetics Tuebingen
Classification: Uncertain significance. Last evaluated: 2016-07-01. Review status: criteria provided, single submitter. Criteria: CeGaT Center For Human Genetics Tuebingen Variant Classification Criteria Version 2. Collection method: clinical testing. Allele origin: germline. Affected: yes. Observed: 1 variant allele.